The following is an entry in ClinVar:

NM_006390.4(IPO8):c.2034A>T (p.Leu678=)

Gene: IPO8 (importin 8; minus strand). Cytogenetic location: 12p11.21.
Variant type: single nucleotide variant.
Coding change: c.2034A>T on transcript NM_006390.4 (MANE Select); coding-DNA position 2034, A replaced by T.
Protein change: p.Leu678=; no amino-acid change (leucine 678 retained).
Molecular consequence: synonymous variant.
Genome position (GRCh38, 1-based): chr12:30,653,007, T>A on the plus strand (A>T on the coding strand, the complement: IPO8 is on the minus strand). VCF-style: chr12-30653007-T-A. GRCh37 (hg19) VCF-style: chr12-30805941-T-A.
Other names: c.1419A>T, p.Leu473= (NM_001190995.2).
Identifiers: ClinVar variation 2642812 (VCV002642812.24), dbSNP rs36100343, ClinGen allele CA6498738.
Genomic context (GRCh38, chr12:30,653,007, plus strand): 5'-TTATATGGTCAAAGCCATACCTGTAAAGTATTCAAAGCAATCCTGCTGAAACACTTCATA[T>A]AGTATACCTAGAAGCTGCCACATTTGAGGGGAAATACTGTGGCAGGTTAAACTGTATGCC-3'
Protein context (NP_006381.2, residues 668-688): SPQMWQLLGI[Leu678=]YEVFQQDCFE

ClinVar aggregate classification (germline): Likely benign (1 of 4 stars; one submission).

gnomAD v4.1: 17 of 1,611,772 alleles (0.0011%); highest among the groups gnomAD compares: East Asian, 0.0045%; no homozygotes.

Submission:

CeGaT Center for Human Genetics Tuebingen
Classification: Likely benign. Last evaluated: 2022-08-01. Review status: criteria provided, single submitter. Criteria: CeGaT Center For Human Genetics Tuebingen Variant Classification Criteria Version 2. Collection method: clinical testing. Allele origin: germline. Affected: yes. Observed: 1 variant allele.
Comment: IPO8: BP4, BP7